The following is an entry in ClinVar:

ClinVar aggregate classification (germline): Likely benign (1 of 4 stars; one submission).

Submission:

CeGaT Center for Human Genetics Tuebingen
Classification: Likely benign. Last evaluated: 2025-08-01. Review status: criteria provided, single submitter. Criteria: CeGaT Center For Human Genetics Tuebingen Variant Classification Criteria Version 2. Collection method: clinical testing. Allele origin: germline. Affected: yes. Observed: 1 variant allele.
Comment: KDM5C: PM2:Supporting, BP4, BP7

NM_004187.5(KDM5C):c.4608C>T (p.Pro1536=)

Gene: KDM5C (lysine demethylase 5C; minus strand). Cytogenetic location: Xp11.22.
Variant type: single nucleotide variant.
Coding change: c.4608C>T on transcript NM_004187.5 (MANE Select); coding-DNA position 4608, C replaced by T.
Protein change: p.Pro1536=; no amino-acid change (proline 1536 retained).
Molecular consequence: synonymous variant. On other transcripts: intron variant (5).
Genome position (GRCh38, 1-based): chrX:53,193,042, G>A on the plus strand (C>T on the coding strand, the complement: KDM5C is on the minus strand). VCF-style: chrX-53193042-G-A. GRCh37 (hg19) VCF-style: chrX-53222224-G-A.
Other names: c.4605C>T, p.Pro1535= (NM_001282622.3); c.4599C>T, p.Pro1533= (NM_001353978.3); c.4305+395C>T (NM_001353982.2); c.4314+395C>T (NM_001353979.2); c.4308+395C>T (NM_001353981.2, NM_001353984.2); c.4047-205C>T (NM_001146702.2).
Identifiers: ClinVar variation 4085961 (VCV004085961.8).
Genomic context (GRCh38, chrX:53,193,042, plus strand): 5'-AGGCGGCTGCTGTGGGCAGGGCAGATGCAGCCGGGGAGTCAGAGTGGAGAAAGGGGCCGA[G>A]GGGCCTGAAGTGGTCCCTTCCGCCGGTTCCAAGCCATTCTGGTTCTCCTGGGTGCTGGGG-3'
Protein context (NP_004178.2, residues 1526-1546): LEPAEGTTSG[Pro1536=]SAPFSTLTPR